The following is an entry in ClinVar:

ClinVar aggregate classification (germline): Uncertain significance (1 of 4 stars; one submission).

Conditions:
Early-infantile DEE. Also called: Early infantile epileptic encephalopathy with suppression bursts; Early infantile epileptic encephalopathy; Ohtahara syndrome. Identifiers: Orphanet 1934, MedGen C0393706, MONDO:0800491.

Submission:

Labcorp Genetics (formerly Invitae), Labcorp
Classification: Uncertain significance for Early-infantile DEE. Last evaluated: 2025-07-29. Review status: criteria provided, single submitter. Criteria: Invitae Variant Classification Sherloc (09022015). Collection method: clinical testing. Allele origin: germline.
Comment: This sequence change replaces proline, which is neutral and non-polar, with threonine, which is neutral and polar, at codon 8 of the SCN8A protein (p.Pro8Thr). This variant is not present in population databases (gnomAD no frequency). This variant has not been reported in the literature in individuals affected with SCN8A-related conditions. Invitae Evidence Modeling of protein sequence and biophysical properties (such as structural, functional, and spatial information, amino acid conservation, physicochemical variation, residue mobility, and thermodynamic stability) indicates that this missense variant is expected to disrupt SCN8A protein function with a positive predictive value of 95%. In summary, the available evidence is currently insufficient to determine the role of this variant in disease. Therefore, it has been classified as a Variant of Uncertain Significance.

NM_001330260.2(SCN8A):c.22C>A (p.Pro8Thr)

Genes: SCN8A (sodium voltage-gated channel alpha subunit 8; plus strand), LOC114803470 (SCN8A eExon liver enhancer; plus strand). Cytogenetic location: 12q13.13.
Variant type: single nucleotide variant.
Coding change: c.22C>A on transcript NM_001330260.2 (MANE Select); coding-DNA position 22, C replaced by A.
Protein change: p.Pro8Thr; replaces proline 8 with threonine.
Molecular consequence: missense variant.
Genome position (GRCh38, 1-based): chr12:51,662,839, C>A. VCF-style: chr12-51662839-C-A. GRCh37 (hg19) VCF-style: chr12-52056623-C-A.
Other names: c.22C>A, p.Pro8Thr (NM_001177984.3, NM_001369788.1, NM_014191.4); short protein forms P8T.
Identifiers: ClinVar variation 4765097 (VCV004765097.1).